The following is an entry in ClinVar:

ClinVar aggregate classification (germline): Pathogenic/Likely pathogenic. Review status: criteria provided, multiple submitters, no conflicts (2 of 4 stars). 4 submissions from 4 submitters: Pathogenic (2); Likely pathogenic (2). Last evaluated 2025-12-04.

Conditions:
FRAS1-related disorder. Also called: FRAS1-related condition.
Fraser syndrome 1 (FRASRS1). Also called: CRYPTOPHTHALMOS WITH OTHER MALFORMATIONS. Identifiers: Orphanet 2052, MedGen C4551480, MONDO:0054737, OMIM 219000.

Allele frequency attached by ClinVar (database versions not stated): TOPMed below 0.00001; ExAC 0.00001; gnomAD 0.00001; gnomAD exomes 0.00001.
gnomAD v4.1: 13 of 1,609,378 alleles (0.00081%); highest among the groups gnomAD compares: East Asian, 0.0022%; no homozygotes.

Submissions (4):

PreventionGenetics, part of Exact Sciences
Classification: Likely pathogenic for FRAS1-related condition. Last evaluated: 2025-12-04. Review status: criteria provided, single submitter. Criteria: ACMG Guidelines, 2015. Collection method: clinical testing. Allele origin: germline.
Comment: The FRAS1 c.619C>T variant is predicted to result in premature protein termination (p.Arg207*). To our knowledge, this variant has not been reported in the literature. This variant is present in 0.0056% of alleles in individuals of East Asian descent in gnomAD. Nonsense variants in FRAS1 are an established mechanism of disease. This variant is interpreted as likely pathogenic.

Labcorp Genetics (formerly Invitae), Labcorp
Classification: Pathogenic. Last evaluated: 2023-06-27. Review status: criteria provided, single submitter. Criteria: Invitae Variant Classification Sherloc (09022015). Collection method: clinical testing. Allele origin: germline.
Comment: For these reasons, this variant has been classified as Pathogenic. Algorithms developed to predict the effect of sequence changes on RNA splicing suggest that this variant may disrupt the consensus splice site. ClinVar contains an entry for this variant (Variation ID: 916645). This variant has not been reported in the literature in individuals affected with FRAS1-related conditions. This variant is present in population databases (rs748696533, gnomAD 0.006%). This sequence change creates a premature translational stop signal (p.Arg207*) in the FRAS1 gene. It is expected to result in an absent or disrupted protein product. Loss-of-function variants in FRAS1 are known to be pathogenic (PMID: 12766769, 18671281).

Service de Biochimie Médicale et Biologie Moléculaire, CHU Clermont-Ferrand
Classification: Pathogenic for Fraser syndrome 1. Last evaluated: 2018-09-14. Review status: criteria provided, single submitter. Criteria: ACMG Guidelines, 2015. Collection method: clinical testing. Allele origin: inherited. Inheritance: Autosomal recessive inheritance. Affected: yes.
Comment: This variant in homozygous state or compound heterozygous state induced Fraser syndrome phenotype

Juno Genomics, Hangzhou Juno Genomics, Inc
Classification: Likely pathogenic for Fraser syndrome 1. Review status: criteria provided, single submitter. Criteria: ACMG Guidelines, 2015. Collection method: clinical testing. Allele origin: germline.
Comment: Null variant in a gene where loss of function (LOF) is a known mechanism of disease.;Absent from controls (or at extremely low frequency if recessive) in Genome Aggregation Database.

Literature cited by the submitters: PubMed 12766769 (cited by Labcorp Genetics (formerly Invitae), Labcorp); PubMed 18671281 (cited by Labcorp Genetics (formerly Invitae), Labcorp).

NM_025074.7(FRAS1):c.619C>T (p.Arg207Ter)

Gene: FRAS1 (Fraser extracellular matrix complex subunit 1; plus strand). Cytogenetic location: 4q21.21.
Variant type: single nucleotide variant.
Coding change: c.619C>T on transcript NM_025074.7 (MANE Select); coding-DNA position 619, C replaced by T.
Protein change: p.Arg207Ter; replaces arginine 207 with a stop codon.
Molecular consequence: nonsense.
Genome position (GRCh38, 1-based): chr4:78,265,040, C>T. VCF-style: chr4-78265040-C-T. GRCh37 (hg19) VCF-style: chr4-79186194-C-T.
Other names: c.619C>T, p.Arg207Ter (NM_001166133.2); short protein forms R207*.
Identifiers: ClinVar variation 916645 (VCV000916645.7), dbSNP rs748696533, ClinGen allele CA2976026.